The following is an entry in ClinVar:

NM_052945.4(TNFRSF13C):c.445G>A (p.Gly149Arg)

Gene: TNFRSF13C (TNF receptor superfamily member 13C; minus strand). Cytogenetic location: 22q13.2.
Variant type: single nucleotide variant.
Coding change: c.445G>A on transcript NM_052945.4 (MANE Select); coding-DNA position 445, G replaced by A.
Protein change: p.Gly149Arg; replaces glycine 149 with arginine.
Molecular consequence: missense variant.
Genome position (GRCh38, 1-based): chr22:41,925,477, C>T on the plus strand (G>A on the coding strand, the complement: TNFRSF13C is on the minus strand). VCF-style: chr22-41925477-C-T. GRCh37 (hg19) VCF-style: chr22-42321481-C-T.
Other names: short protein forms G149R.
Identifiers: ClinVar variation 2072872 (VCV002072872.4), dbSNP rs1482141820, ClinGen allele CA411762662.

ClinVar aggregate classification (germline): Uncertain significance (1 of 4 stars; one submission).

Conditions:
Immunodeficiency, common variable, 4. Also called: ANTIBODY DEFICIENCY DUE TO BAFFR DEFECT. Identifiers: Orphanet 1572, Orphanet 696925, MedGen C3150739, MONDO:0013284, OMIM 613494.

Submission:

Labcorp Genetics (formerly Invitae), Labcorp
Classification: Uncertain significance for Immunodeficiency, common variable, 4. Last evaluated: 2023-12-26. Review status: criteria provided, single submitter. Criteria: Invitae Variant Classification Sherloc (09022015). Collection method: clinical testing. Allele origin: germline.
Comment: This sequence change replaces glycine, which is neutral and non-polar, with arginine, which is basic and polar, at codon 149 of the TNFRSF13C protein (p.Gly149Arg). This variant is present in population databases (no rsID available, gnomAD 0.006%). This variant has not been reported in the literature in individuals affected with TNFRSF13C-related conditions. ClinVar contains an entry for this variant (Variation ID: 2072872). Algorithms developed to predict the effect of missense changes on protein structure and function output the following: SIFT: "Not Available"; PolyPhen-2: "Benign"; Align-GVGD: "Not Available". The arginine amino acid residue is found in multiple mammalian species, which suggests that this missense change does not adversely affect protein function. In summary, the available evidence is currently insufficient to determine the role of this variant in disease. Therefore, it has been classified as a Variant of Uncertain Significance.